The following is an entry in ClinVar:

ClinVar aggregate classification (germline): Pathogenic. Review status: criteria provided, single submitter (1 of 4 stars). 2 submissions from 2 submitters: Pathogenic (1). 1 of the submissions does not count toward it. Last evaluated 2023-09-09.

Conditions:
Global developmental delay (DD). Also called: Cognitive delay. Identifiers: MedGen C0557874, HP:0001263. Disease mechanism: loss of function.
Aplasia/Hypoplasia of the cerebellum. Identifiers: MedGen C3279222, HP:0007360.

Allele frequency attached by ClinVar (database versions not stated): gnomAD exomes below 0.00001; TOPMed below 0.00001; gnomAD 0.00001.
gnomAD v4.1: 4 of 1,611,434 alleles (0.00025%); highest among the groups gnomAD compares: African/African-American, 0.0027%; no homozygotes.

Submissions (2):

GeneDx
Classification: Pathogenic. Last evaluated: 2023-09-09. Review status: criteria provided, single submitter. Criteria: GeneDx Variant Classification Process June 2021. Collection method: clinical testing. Allele origin: germline. Affected: yes.
Comment: Nonsense variant predicted to result in protein truncation or nonsense mediated decay in a gene for which loss of function is a known mechanism of disease; Not observed at significant frequency in large population cohorts (gnomAD); This variant is associated with the following publications: (PMID: 34572343, 30976113)

Hadassah Hebrew University Medical Center
Classification: Pathogenic for Aplasia/Hypoplasia of the cerebellum; Global developmental delay. Review status: no assertion criteria provided. Collection method: clinical testing. Allele origin: germline. Inheritance: Autosomal recessive inheritance. Affected: yes. Observed: 1 compound heterozygote. Not counted in ClinVar's aggregate classification.

NM_001330701.2(AGTPBP1):c.2842C>T (p.Arg948Ter)

Gene: AGTPBP1 (ATP/GTP binding carboxypeptidase 1; minus strand). Cytogenetic location: 9q21.33.
Variant type: single nucleotide variant.
Coding change: c.2842C>T on transcript NM_001330701.2 (MANE Select); coding-DNA position 2842, C replaced by T.
Protein change: p.Arg948Ter; replaces arginine 948 with a stop codon.
Molecular consequence: nonsense.
Genome position (GRCh38, 1-based): chr9:85,588,359, G>A on the plus strand (C>T on the coding strand, the complement: AGTPBP1 is on the minus strand). VCF-style: chr9-85588359-G-A. GRCh37 (hg19) VCF-style: chr9-88203274-G-A.
Other names: c.2998C>T, p.Arg1000Ter (NM_001286715.1); c.2878C>T, p.Arg960Ter (NM_001286717.1); c.2722C>T, p.Arg908Ter (NM_015239.3); short protein forms R1000*, R948*, R908*, R960*.
Identifiers: ClinVar variation 599381 (VCV000599381.3), dbSNP rs943824159, ClinGen allele CA195480940.